The following is an entry in ClinVar:

NM_004525.3(LRP2):c.6280+5G>A

Gene: LRP2 (LDL receptor related protein 2; minus strand). Cytogenetic location: 2q31.1.
Variant type: single nucleotide variant.
Coding change: c.6280+5G>A on transcript NM_004525.3 (MANE Select); 5 bases into the intron after coding-DNA position 6280, G replaced by A.
Molecular consequence: intron variant.
Genome position (GRCh38, 1-based): chr2:169,211,963, C>T on the plus strand (G>A on the coding strand, the complement: LRP2 is on the minus strand). VCF-style: chr2-169211963-C-T. GRCh37 (hg19) VCF-style: chr2-170068473-C-T.
Identifiers: ClinVar variation 2858191 (VCV002858191.3), dbSNP rs2545821249, ClinGen allele CA2739271569.

ClinVar aggregate classification (germline): Uncertain significance (1 of 4 stars; one submission).

Submission:

Labcorp Genetics (formerly Invitae), Labcorp
Classification: Uncertain significance. Last evaluated: 2023-11-17. Review status: criteria provided, single submitter. Criteria: Invitae Variant Classification Sherloc (09022015). Collection method: clinical testing. Allele origin: germline.
Comment: This sequence change falls in intron 37 of the LRP2 gene. It does not directly change the encoded amino acid sequence of the LRP2 protein. It affects a nucleotide within the consensus splice site. This variant is not present in population databases (gnomAD no frequency). This variant has not been reported in the literature in individuals affected with LRP2-related conditions. Variants that disrupt the consensus splice site are a relatively common cause of aberrant splicing (PMID: 17576681, 9536098). Algorithms developed to predict the effect of sequence changes on RNA splicing suggest that this variant may disrupt the consensus splice site. In summary, the available evidence is currently insufficient to determine the role of this variant in disease. Therefore, it has been classified as a Variant of Uncertain Significance.

Literature cited by the submitters: PubMed 17576681; PubMed 9536098.